The following is an entry in ClinVar:

ClinVar aggregate classification (germline): Uncertain significance (1 of 4 stars; one submission).

Conditions:
Cardiomyopathy (CMYO). Also called: Cardiomyopathies. Identifiers: Orphanet 167848, MedGen C0878544, MONDO:0004994, HP:0001638. Inheritance: Various modes of inheritance.

Allele frequency attached by ClinVar (database versions not stated): gnomAD exomes below 0.00001.

Submission:

Color Diagnostics, LLC DBA Color Health
Classification: Uncertain significance for Cardiomyopathy. Last evaluated: 2019-04-09. Review status: criteria provided, single submitter. Criteria: ACMG Guidelines, 2015. Collection method: clinical testing. Allele origin: germline.
Comment: This variant inserts a single nucleotide in the intron 5 canonical splice donor site of the DSG2 gene. This variant is predicted to cause aberrant splicing and may result in an absent or disrupted protein product. To our knowledge, functional assays have not been performed for this variant nor has this variant been reported in individuals affected with cardiovascular disorders in the literature. This variant has not been identified in the general population by the Genome Aggregation Database (gnomAD). A different variant affecting the same splice donor site c.523+2T>C is considered to be pathogenic (Clinvar). Although there is a suspicion that this variant may be deleterious, available evidence is insufficient to determine the role of this variant in disease conclusively. Therefore, this variant is classified as a Variant of Uncertain Significance.

NM_001943.5(DSG2):c.523+2dup

Gene: DSG2 (desmoglein 2; plus strand). Cytogenetic location: 18q12.1.
Variant type: Duplication.
Coding change: c.523+2dup on transcript NM_001943.5 (MANE Select); the canonical splice donor site of the intron after coding-DNA position 523, one base duplicated (T; older notation c.523+2dupT).
Molecular consequence: splice donor variant.
Genome position (GRCh38, 1-based): chr18:31,521,245, T duplicated. VCF-style (leftmost placement, unchanged base first): chr18-31521244-G-GT. GRCh37 (hg19) VCF-style: chr18-29101207-G-GT.
Identifiers: ClinVar variation 926381 (VCV000926381.3), dbSNP rs2073126642, ClinGen allele CA913188918.